The following is an entry in ClinVar:

NM_003978.5(PSTPIP1):c.212A>G (p.Asn71Ser)

Gene: PSTPIP1 (proline-serine-threonine phosphatase interacting protein 1; plus strand). Cytogenetic location: 15q24.3.
Variant type: single nucleotide variant.
Coding change: c.212A>G on transcript NM_003978.5 (MANE Select); coding-DNA position 212, A replaced by G.
Protein change: p.Asn71Ser; replaces asparagine 71 with serine.
Molecular consequence: missense variant. On other transcripts: non-coding transcript variant (1).
Genome position (GRCh38, 1-based): chr15:77,018,531, A>G. VCF-style: chr15-77018531-A-G. GRCh37 (hg19) VCF-style: chr15-77310872-A-G.
Other names: c.212A>G, p.Asn71Ser (NM_001321135.2); c.185A>G, p.Asn62Ser (NM_001321136.2); c.407A>G, p.Asn136Ser (NM_001321137.1); short protein forms N62S, N136S, N71S.
Identifiers: ClinVar variation 1439253 (VCV001439253.8), dbSNP rs961668608, ClinGen allele CA273745198.
Genomic context (GRCh38, chr15:77,018,531, plus strand): 5'-AGCGGTACGGGAAGGAGCTGGTGCAGATCGCACGGAAGGCAGGTGGCCAGACGGAGATCA[A>G]GTAAGATCTCCCGGGCCCTGGGGCTCACTCCTCTCCTCTGCTGGCAGTTTCTGGGCCTTT-3'
Protein context (NP_003969.2, residues 61-81): ARKAGGQTEI[Asn71Ser]SLRASFDSLK

ClinVar aggregate classification (germline): Uncertain significance (1 of 4 stars; one submission).

Conditions:
Pyogenic arthritis-pyoderma gangrenosum-acne syndrome (PAPA). Also called: FAMILIAL RECURRENT ARTHRITIS; PAPA SYNDROME. Identifiers: Orphanet 69126, MedGen C1858361, MONDO:0011462, OMIM 604416.

Allele frequency attached by ClinVar (database versions not stated): gnomAD exomes below 0.00001; gnomAD 0.00003 and 0.00004; TOPMed 0.00003.
gnomAD v4.1: 6 of 1,561,610 alleles (0.00038%); highest among the groups gnomAD compares: African/African-American, 0.0068%; no homozygotes.

Submission:

Labcorp Genetics (formerly Invitae), Labcorp
Classification: Uncertain significance for Pyogenic arthritis-pyoderma gangrenosum-acne syndrome. Last evaluated: 2025-10-06. Review status: criteria provided, single submitter. Criteria: Invitae Variant Classification Sherloc (09022015). Collection method: clinical testing. Allele origin: germline.
Comment: This sequence change replaces asparagine, which is neutral and polar, with serine, which is neutral and polar, at codon 71 of the PSTPIP1 protein (p.Asn71Ser). This variant is not present in population databases (gnomAD no frequency). This variant has not been reported in the literature in individuals affected with PSTPIP1-related conditions. ClinVar contains an entry for this variant (Variation ID: 1439253). An algorithm developed to predict the effect of missense changes on protein structure and function (PolyPhen-2) suggests that this variant is likely to be tolerated. In summary, the available evidence is currently insufficient to determine the role of this variant in disease. Therefore, it has been classified as a Variant of Uncertain Significance.